The following is an entry in ClinVar:

ClinVar aggregate classification (germline): Uncertain significance. Review status: criteria provided, multiple submitters, no conflicts (2 of 4 stars). 2 submissions from 2 submitters: Uncertain significance (2). Last evaluated 2026-09-11.

Conditions:
Charcot-Marie-Tooth disease type 4. Also called: Charcot-Marie-Tooth, Type 4; Charcot-Marie-Tooth disease, type IV. Identifiers: Orphanet 64749, MedGen C4082197, MONDO:0018995.

Allele frequency attached by ClinVar (database versions not stated): gnomAD exomes below 0.00001; ExAC 0.00001; TOPMed 0.00001.
gnomAD v4.1: 2 of 1,613,356 alleles (0.00012%); highest among the groups gnomAD compares: Non-Finnish European, 0.00017%; no homozygotes.

Submissions (2):

GeneDx
Classification: Uncertain significance. Last evaluated: 2026-09-11. Review status: criteria provided, single submitter. Criteria: GeneDx Variant Classification Process June 2021. Collection method: clinical testing. Allele origin: germline.
Comment: Not observed at significant frequency in large population cohorts (gnomAD); In silico analysis, which includes protein predictors and evolutionary conservation, supports a deleterious effect; Has not been previously published as pathogenic or benign to our knowledge

Labcorp Genetics (formerly Invitae), Labcorp
Classification: Uncertain significance for Charcot-Marie-Tooth disease type 4. Last evaluated: 2022-06-23. Review status: criteria provided, single submitter. Criteria: Invitae Variant Classification Sherloc (09022015). Collection method: clinical testing. Allele origin: germline.
Comment: This variant has not been reported in the literature in individuals affected with FIG4-related conditions. In summary, the available evidence is currently insufficient to determine the role of this variant in disease. Therefore, it has been classified as a Variant of Uncertain Significance. Algorithms developed to predict the effect of missense changes on protein structure and function (SIFT, PolyPhen-2, Align-GVGD) all suggest that this variant is likely to be tolerated. ClinVar contains an entry for this variant (Variation ID: 952986). This variant is present in population databases (rs754127221, gnomAD 0.0009%). This sequence change replaces glycine, which is neutral and non-polar, with glutamic acid, which is acidic and polar, at codon 603 of the FIG4 protein (p.Gly603Glu).

NM_014845.6(FIG4):c.1808G>A (p.Gly603Glu)

Gene: FIG4 (FIG4 phosphoinositide 5-phosphatase; plus strand). Cytogenetic location: 6q21.
Variant type: single nucleotide variant.
Coding change: c.1808G>A on transcript NM_014845.6 (MANE Select); coding-DNA position 1808, G replaced by A.
Protein change: p.Gly603Glu; replaces glycine 603 with glutamic acid.
Molecular consequence: missense variant.
Genome position (GRCh38, 1-based): chr6:109,776,979, G>A. VCF-style: chr6-109776979-G-A. GRCh37 (hg19) VCF-style: chr6-110098182-G-A.
Other names: short protein forms G603E.
Identifiers: ClinVar variation 952986 (VCV000952986.12), dbSNP rs754127221, ClinGen allele CA3956185.
Genomic context (GRCh38, chr6:109,776,979, plus strand): 5'-TAGATGCCGATAGACAAGATTCCATTAATCTCTTCCTGGGAGTTTTCCATCCCACTGAAG[G>A]GAAACCTCATCTCTGGGAGCTCCCAACAGATTTTTATTTGCATCACAAAAATACCATGAG-3'
Protein context (NP_055660.1, residues 593-613): LFLGVFHPTE[Gly603Glu]KPHLWELPTD